The following is an entry in ClinVar:

NM_000257.4(MYH7):c.488A>C (p.Gln163Pro)

Gene: MYH7 (myosin heavy chain 7; minus strand). Cytogenetic location: 14q11.2.
Variant type: single nucleotide variant.
Coding change: c.488A>C on transcript NM_000257.4 (MANE Select); coding-DNA position 488, A replaced by C.
Protein change: p.Gln163Pro; replaces glutamine 163 with proline.
Molecular consequence: missense variant.
Genome position (GRCh38, 1-based): chr14:23,432,653, T>G on the plus strand (A>C on the coding strand, the complement: MYH7 is on the minus strand). VCF-style: chr14-23432653-T-G. GRCh37 (hg19) VCF-style: chr14-23901862-T-G.
Other names: c.488A>C, p.Gln163Pro (NM_001407004.1); short protein forms Q163P.
Identifiers: ClinVar variation 1879272 (VCV001879272.32), dbSNP rs2502317523, ClinGen allele CA389052716.

ClinVar aggregate classification (germline): Conflicting classifications of pathogenicity. Review status: criteria provided, conflicting classifications (1 of 4 stars). 2 submissions from 2 submitters: Likely pathogenic (1); Uncertain significance (1). Last evaluated 2023-01-14.

Conditions:
Hypertrophic cardiomyopathy. Also called: HYPERTROPHIC MYOCARDIOPATHY. Identifiers: Orphanet 217569, MedGen C0007194, MeSH D002312, MONDO:0005045, HP:0001639.

Submissions (2):

Labcorp Genetics (formerly Invitae), Labcorp
Classification: Uncertain significance for Hypertrophic cardiomyopathy. Last evaluated: 2023-01-14. Review status: criteria provided, single submitter. Criteria: Invitae Variant Classification Sherloc (09022015). Collection method: clinical testing. Allele origin: germline.
Comment: In summary, the available evidence is currently insufficient to determine the role of this variant in disease. Therefore, it has been classified as a Variant of Uncertain Significance. Advanced modeling of protein sequence and biophysical properties (such as structural, functional, and spatial information, amino acid conservation, physicochemical variation, residue mobility, and thermodynamic stability) performed at Invitae indicates that this missense variant is expected to disrupt MYH7 protein function. This missense change has been observed in individual(s) with MYH7-related conditions (PMID: 26025024, 27788187). This variant is not present in population databases (gnomAD no frequency). This sequence change replaces glutamine, which is neutral and polar, with proline, which is neutral and non-polar, at codon 163 of the MYH7 protein (p.Gln163Pro).

CeGaT Center for Human Genetics Tuebingen
Classification: Likely pathogenic. Last evaluated: 2022-12-01. Review status: criteria provided, single submitter. Criteria: CeGaT Center For Human Genetics Tuebingen Variant Classification Criteria Version 2. Collection method: clinical testing. Allele origin: germline. Affected: yes. Observed: 1 variant allele.
Comment: MYH7: PM2, PS4:Moderate, PP2, PP3

Literature cited by the submitters: PubMed 26025024 (cited by Labcorp Genetics (formerly Invitae), Labcorp); PubMed 27788187 (cited by Labcorp Genetics (formerly Invitae), Labcorp).